The following is an entry in ClinVar:

NC_000016.9:g.(?_72130057)_(72144996_?)dup

Gene: DHX38 (DEAH-box helicase 38; plus strand). Cytogenetic location: 16q22.2.
Variant type: Duplication.
Identifiers: ClinVar variation 1411769 (VCV001411769.5).

ClinVar aggregate classification (germline): Uncertain significance (1 of 4 stars; one submission).

Submission:

Labcorp Genetics (formerly Invitae), Labcorp
Classification: Uncertain significance. Last evaluated: 2022-08-16. Review status: criteria provided, single submitter. Criteria: Invitae Variant Classification Sherloc (09022015). Collection method: clinical testing. Allele origin: germline.
Comment: In summary, the available evidence is currently insufficient to determine the role of this variant in disease. Therefore, it has been classified as a Variant of Uncertain Significance. This variant has not been reported in the literature in individuals affected with DHX38-related conditions. This variant results in a copy number gain of the genomic region encompassing exon(s) 2-26 of the DHX38 gene. This region includes the initiator codon of the gene. This copy number gain extends beyond the assayed region for this gene and therefore may encompass additional genes. As the precise location of this event is unknown, it may be in tandem or it may be located elsewhere in the genome.